The following is an entry in ClinVar:

ClinVar aggregate classification (germline): Uncertain significance (1 of 4 stars; one submission).

Submission:

Ambry Genetics
Classification: Uncertain significance. Last evaluated: 2021-07-20. Review status: criteria provided, single submitter. Criteria: Ambry Variant Classification Scheme 2023. Collection method: clinical testing. Allele origin: germline.
Comment: The p.F768S variant (also known as c.2303T>C), located in coding exon 4 of the ALPK2 gene, results from a T to C substitution at nucleotide position 2303. The phenylalanine at codon 768 is replaced by serine, an amino acid with highly dissimilar properties. This amino acid position is conserved. In addition, this alteration is predicted to be tolerated by in silico analysis. Since supporting evidence is limited at this time, the clinical significance of this alteration remains unclear.

NM_052947.4(ALPK2):c.2303T>C (p.Phe768Ser)

Gene: ALPK2 (alpha kinase 2; minus strand). Cytogenetic location: 18q21.31.
Variant type: single nucleotide variant.
Coding change: c.2303T>C on transcript NM_052947.4 (MANE Select); coding-DNA position 2303, T replaced by C.
Protein change: p.Phe768Ser; replaces phenylalanine 768 with serine.
Molecular consequence: missense variant.
Genome position (GRCh38, 1-based): chr18:58,537,884, A>G on the plus strand (T>C on the coding strand, the complement: ALPK2 is on the minus strand). VCF-style: chr18-58537884-A-G. GRCh37 (hg19) VCF-style: chr18-56205116-A-G.
Other names: short protein forms F768S.
Identifiers: ClinVar variation 1789326 (VCV001789326.2), dbSNP rs2518877865, ClinGen allele CA402571053.